The following is an entry in ClinVar:

ClinVar aggregate classification (germline): Benign. Review status: criteria provided, multiple submitters, no conflicts (2 of 4 stars). 2 submissions from 2 submitters: Benign (2). Last evaluated 2018-01-12.

Conditions:
Non-acquired combined pituitary hormone deficiency with spine abnormalities (CPHD3). Also called: Winkelman Bethge Pfeiffer syndrome; WBP syndrome; Combined pituitary hormone deficiency type 3. Identifiers: Orphanet 231720, MedGen C3489787, MONDO:0009091, OMIM 221750.

Allele frequency attached by ClinVar (database versions not stated): gnomAD 0.00510 and 0.00829; TOPMed 0.00753; 1000 Genomes Project 30x 0.03326; 1000 Genomes Project 0.03435.

Submissions (2):

Illumina Laboratory Services, Illumina
Classification: Benign for Non-acquired combined pituitary hormone deficiency with spine abnormalities. Last evaluated: 2018-01-12. Review status: criteria provided, single submitter. Criteria: ICSL Variant Classification Criteria 13 December 2019. Collection method: clinical testing. Allele origin: germline.
Comment: This variant was observed in the ICSL laboratory as part of a predisposition screen in an ostensibly healthy population. It had not been previously curated by ICSL or reported in the Human Gene Mutation Database (HGMD: prior to June 1st, 2018), and was therefore a candidate for classification through an automated scoring system. Utilizing variant allele frequency, disease prevalence and penetrance estimates, and inheritance mode, an automated score was calculated to assess if this variant is too frequent to cause the disease. Based on the score and internal cut-off values, a variant classified as benign is not then subjected to further curation. The score for this variant resulted in a classification of benign for this disease.

Breakthrough Genomics
Classification: Benign. Review status: criteria provided, single submitter. Criteria: ACMG Guidelines, 2015. Collection method: not provided. Allele origin: germline. Inheritance: Autosomal recessive inheritance. Affected: yes.

NM_178138.6(LHX3):c.*825C>A

Gene: LHX3 (LIM homeobox 3; minus strand). Cytogenetic location: 9q34.3.
Variant type: single nucleotide variant.
Coding change: c.*825C>A on transcript NM_178138.6 (MANE Select); 825 bases downstream of the stop codon, C replaced by A.
Molecular consequence: 3 prime UTR variant.
Genome position (GRCh38, 1-based): chr9:136,196,500, G>T on the plus strand (C>A on the coding strand, the complement: LHX3 is on the minus strand). VCF-style: chr9-136196500-G-T. GRCh37 (hg19) VCF-style: chr9-139088346-G-T.
Other names: c.*825C>A (NM_001363746.1, NM_014564.5).
Identifiers: ClinVar variation 365799 (VCV000365799.6), dbSNP rs3739470, ClinGen allele CA10626864.